The following is an entry in ClinVar:

NM_002905.5(RDH5):c.569+5G>C

Genes: BLOC1S1-RDH5 (BLOC1S1-RDH5 readthrough; plus strand), RDH5 (retinol dehydrogenase 5; plus strand). Cytogenetic location: 12q13.2.
Variant type: single nucleotide variant.
Coding change: c.569+5G>C on transcript NM_002905.5 (MANE Select); 5 bases into the intron after coding-DNA position 569, G replaced by C.
Molecular consequence: intron variant.
Genome position (GRCh38, 1-based): chr12:55,721,952, G>C. VCF-style: chr12-55721952-G-C. GRCh37 (hg19) VCF-style: chr12-56115736-G-C.
Other names: c.569+5G>C (NM_001199771.3).
Identifiers: ClinVar variation 1978707 (VCV001978707.4), dbSNP rs1876947515, ClinGen allele CA2038069531.
Genomic context (GRCh38, chr12:55,721,952, plus strand): 5'-GGTGGGGGCTACTGTGTCTCCAAATTTGGCCTGGAGGCCTTCTCTGACAGCCTGAGGTGA[G>C]GGGTACAGGGCTCTGGGTTCCAGGACTAACAGCAGCCCACTCAACAAACGTGGGCCAGCA-3'

ClinVar aggregate classification (germline): Uncertain significance (1 of 4 stars; one submission).

Allele frequency attached by ClinVar (database versions not stated): TOPMed below 0.00001.

Submission:

Labcorp Genetics (formerly Invitae), Labcorp
Classification: Uncertain significance. Last evaluated: 2022-05-04. Review status: criteria provided, single submitter. Criteria: Invitae Variant Classification Sherloc (09022015). Collection method: clinical testing. Allele origin: germline.
Comment: In summary, the available evidence is currently insufficient to determine the role of this variant in disease. Therefore, it has been classified as a Variant of Uncertain Significance. Variants that disrupt the consensus splice site are a relatively common cause of aberrant splicing (PMID: 17576681, 9536098). Algorithms developed to predict the effect of sequence changes on RNA splicing suggest that this variant may disrupt the consensus splice site. This variant has not been reported in the literature in individuals affected with RDH5-related conditions. This variant is not present in population databases (gnomAD no frequency). This sequence change falls in intron 3 of the RDH5 gene. It does not directly change the encoded amino acid sequence of the RDH5 protein. It affects a nucleotide within the consensus splice site.

Literature cited by the submitters: PubMed 17576681; PubMed 9536098.